The following is an entry in ClinVar:

ClinVar aggregate classification (germline): Pathogenic (1 of 4 stars; one submission).

gnomAD v4.1: 1 of 1,612,948 alleles (0.000062%); highest among the groups gnomAD compares: Non-Finnish European, 0.000085%; no homozygotes.

Submission:

Labcorp Genetics (formerly Invitae), Labcorp
Classification: Pathogenic. Last evaluated: 2022-03-24. Review status: criteria provided, single submitter. Criteria: Invitae Variant Classification Sherloc (09022015). Collection method: clinical testing. Allele origin: germline.
Comment: Algorithms developed to predict the effect of sequence changes on RNA splicing suggest that this variant may create or strengthen a splice site. This variant has not been reported in the literature in individuals affected with USH1C-related conditions. This variant is not present in population databases (gnomAD no frequency). This sequence change creates a premature translational stop signal (p.Glu461*) in the USH1C gene. It is expected to result in an absent or disrupted protein product. Loss-of-function variants in USH1C are known to be pathogenic (PMID: 10973247, 17407589, 20301442, 21203349). For these reasons, this variant has been classified as Pathogenic.

Literature cited by the submitters: PubMed 10973247; PubMed 17407589; PubMed 20301442; PubMed 21203349.

NM_153676.4(USH1C):c.2281G>T (p.Glu761Ter)

Gene: USH1C (USH1 protein network component harmonin; minus strand). Cytogenetic location: 11p15.1.
Variant type: single nucleotide variant.
Coding change: c.2281G>T on transcript NM_153676.4 (MANE Select); coding-DNA position 2281, G replaced by T.
Protein change: p.Glu761Ter; replaces glutamic acid 761 with a stop codon.
Molecular consequence: nonsense. On other transcripts: non-coding transcript variant (1).
Genome position (GRCh38, 1-based): chr11:17,501,150, C>A on the plus strand (G>T on the coding strand, the complement: USH1C is on the minus strand). VCF-style: chr11-17501150-C-A. GRCh37 (hg19) VCF-style: chr11-17522697-C-A.
Other names: c.1324G>T, p.Glu442Ter (NM_001297764.2); c.1381G>T, p.Glu461Ter (NM_005709.4); short protein forms E761*, E461*, E442*.
Identifiers: ClinVar variation 2116425 (VCV002116425.4), dbSNP rs771504780, ClinGen allele CA379803240.